The following is an entry in ClinVar:

ClinVar aggregate classification (germline): Benign (1 of 4 stars; one submission).

Allele frequency attached by ClinVar (database versions not stated): gnomAD 0.04153 and 0.04458; 1000 Genomes Project 0.04253; TOPMed 0.04602; 1000 Genomes Project 30x 0.04731.
gnomAD v4.1: 6,261 of 152,236 alleles (4.1%); highest among the groups gnomAD compares: African/African-American, 14%; 416 homozygotes.

Submission:

GeneDx
Classification: Benign. Last evaluated: 2018-06-19. Review status: criteria provided, single submitter. Criteria: GeneDx Variant Classification (06012015). Collection method: clinical testing. Allele origin: germline. Affected: yes.
Comment: This variant is considered likely benign or benign based on one or more of the following criteria: it is a conservative change, it occurs at a poorly conserved position in the protein, it is predicted to be benign by multiple in silico algorithms, and/or has population frequency not consistent with disease.

NM_001105206.3(LAMA4):c.298-247T>G

Gene: LAMA4 (laminin subunit alpha 4; minus strand). Cytogenetic location: 6q21.
Variant type: single nucleotide variant.
Coding change: c.298-247T>G on transcript NM_001105206.3 (MANE Select); 247 bases into the intron before coding-DNA position 298, T replaced by G.
Molecular consequence: intron variant.
Genome position (GRCh38, 1-based): chr6:112,207,392, A>C on the plus strand (T>G on the coding strand, the complement: LAMA4 is on the minus strand). VCF-style: chr6-112207392-A-C. GRCh37 (hg19) VCF-style: chr6-112528593-A-C.
Other names: c.298-247T>G (NM_002290.5, NM_001105207.3).
Identifiers: ClinVar variation 678572 (VCV000678572.1), dbSNP rs73542553, ClinGen allele CA144891311.